The following is an entry in ClinVar:

NM_000051.4(ATM):c.7656C>A (p.His2552Gln)

Genes: ATM (ATM serine/threonine kinase; plus strand), C11orf65 (chromosome 11 open reading frame 65; minus strand). Cytogenetic location: 11q22.3.
Variant type: single nucleotide variant.
Coding change: c.7656C>A on transcript NM_000051.4 (MANE Select); coding-DNA position 7656, C replaced by A.
Protein change: p.His2552Gln; replaces histidine 2552 with glutamine.
Molecular consequence: missense variant. On other transcripts: intron variant (2).
Genome position (GRCh38, 1-based): chr11:108,331,905, C>A. VCF-style: chr11-108331905-C-A. GRCh37 (hg19) VCF-style: chr11-108202632-C-A.
Other names: c.7656C>A, p.His2552Gln (NM_001351834.2); c.641-22834G>T (NM_001330368.2); c.*38+3315G>T (NM_001351110.2); short protein forms H2552Q.
Identifiers: ClinVar variation 453696 (VCV000453696.12), dbSNP rs1555124473, ClinGen allele CA382560943.
Genomic context (GRCh38, chr11:108,331,905, plus strand): 5'-TATTTGCATAAATCTAATAGTTCTTTTCTTACAGCTAATCTCTAGAATTTCAATGGATCA[C>A]CCCCATCACACTTTGTTTATTATACTGGCCTTAGCAAATGCAAACAGAGATGAATTTCTG-3'
Protein context (NP_000042.3, residues 2542-2562): NNLISRISMD[His2552Gln]PHHTLFIILA

ClinVar aggregate classification (germline): Uncertain significance. Review status: criteria provided, multiple submitters, no conflicts (2 of 4 stars). 2 submissions from 2 submitters: Uncertain significance (2). Last evaluated 2024-05-22.

Conditions:
Hereditary cancer-predisposing syndrome. Also called: Neoplastic Syndromes, Hereditary; Hereditary Cancer Syndrome; Tumor predisposition; Hereditary neoplastic syndrome. Identifiers: Orphanet 140162, MedGen C0027672, MeSH D009386, MONDO:0015356.
Ataxia-telangiectasia syndrome (AT). Also called: LOUIS-BAR SYNDROME; Cerebello-oculocutaneous telangiectasia; Immunodeficiency with ataxia telangiectasia; Ataxia-telangiectasia, complementation group D; AT, COMPLEMENTATION GROUP C; Ataxia-telangiectasia, complementation group E. Identifiers: Orphanet 100, MedGen C0004135, MONDO:0008840, OMIM 208900.

Allele frequency attached by ClinVar (database versions not stated): gnomAD 0.00001; gnomAD exomes below 0.00001.
gnomAD v4.1: 2 of 1,613,590 alleles (0.00012%); highest among the groups gnomAD compares: African/African-American, 0.0027%; no homozygotes.

Submissions (2):

Labcorp Genetics (formerly Invitae), Labcorp
Classification: Uncertain significance for Ataxia-telangiectasia syndrome. Last evaluated: 2024-05-22. Review status: criteria provided, single submitter. Criteria: Invitae Variant Classification Sherloc (09022015). Collection method: clinical testing. Allele origin: germline.
Comment: This sequence change replaces histidine, which is basic and polar, with glutamine, which is neutral and polar, at codon 2552 of the ATM protein (p.His2552Gln). This variant is not present in population databases (gnomAD no frequency). This variant has not been reported in the literature in individuals affected with ATM-related conditions. ClinVar contains an entry for this variant (Variation ID: 453696). An algorithm developed to predict the effect of missense changes on protein structure and function (PolyPhen-2) suggests that this variant is likely to be disruptive. In summary, the available evidence is currently insufficient to determine the role of this variant in disease. Therefore, it has been classified as a Variant of Uncertain Significance.

Ambry Genetics
Classification: Uncertain significance for Hereditary cancer-predisposing syndrome. Last evaluated: 2023-08-01. Review status: criteria provided, single submitter. Criteria: Ambry Variant Classification Scheme 2023. Collection method: clinical testing. Allele origin: germline.
Comment: The p.H2552Q variant (also known as c.7656C>A), located in coding exon 51 of the ATM gene, results from a C to A substitution at nucleotide position 7656. The histidine at codon 2552 is replaced by glutamine, an amino acid with highly similar properties. This amino acid position is highly conserved in available vertebrate species. In addition, this alteration is predicted to be deleterious by in silico analysis. Since supporting evidence is limited at this time, the clinical significance of this alteration remains unclear.